The following is an entry in ClinVar:

NM_001367624.2(ZNF469):c.712G>A (p.Ala238Thr)

Gene: ZNF469 (zinc finger protein 469; plus strand). Cytogenetic location: 16q24.2.
Variant type: single nucleotide variant.
Coding change: c.712G>A on transcript NM_001367624.2 (MANE Select); coding-DNA position 712, G replaced by A.
Protein change: p.Ala238Thr; replaces alanine 238 with threonine.
Molecular consequence: missense variant.
Genome position (GRCh38, 1-based): chr16:88,428,182, G>A. VCF-style: chr16-88428182-G-A. GRCh37 (hg19) VCF-style: chr16-88494590-G-A.
Other names: NM_001127464.1:c.712G>A; short protein forms A238T.
Identifiers: ClinVar variation 1433774 (VCV001433774.9), dbSNP rs748253495, ClinGen allele CA286371930.
Genomic context (GRCh38, chr16:88,428,182, plus strand): 5'-CCCCTCCAGCCCGGTTCCTATCCCGAATACCAGGCCAGTGGGGCCGACTCCTGGCCTCCC[G>A]CTGCTGAGAATAGCTTCCCAGGTGCTAATTTCGGGGTTCCCCCCGCCGAGCCGGAACCTA-3'
Protein context (NP_001354553.1, residues 228-248): QASGADSWPP[Ala238Thr]AENSFPGANF

ClinVar aggregate classification (germline): Uncertain significance. Review status: criteria provided, multiple submitters, no conflicts (2 of 4 stars). 3 submissions from 3 submitters: Uncertain significance (3). Last evaluated 2025-11-23.

Conditions:
Cardiovascular phenotype. Identifiers: MedGen CN230736.

Allele frequency attached by ClinVar (database versions not stated): gnomAD 0.00001; gnomAD exomes 0.00001; TOPMed 0.00003.
gnomAD v4.1: 15 of 1,550,108 alleles (0.00097%); highest among the groups gnomAD compares: Admixed American, 0.0059%; no homozygotes.

Submissions (3):

Labcorp Genetics (formerly Invitae), Labcorp
Classification: Uncertain significance. Last evaluated: 2025-11-23. Review status: criteria provided, single submitter. Criteria: Invitae Variant Classification Sherloc (09022015). Collection method: clinical testing. Allele origin: germline.
Comment: This sequence change replaces alanine, which is neutral and non-polar, with threonine, which is neutral and polar, at codon 238 of the ZNF469 protein (p.Ala238Thr). This variant is not present in population databases (gnomAD no frequency). This variant has not been reported in the literature in individuals affected with ZNF469-related conditions. ClinVar contains an entry for this variant (Variation ID: 1433774). An algorithm developed to predict the effect of missense changes on protein structure and function outputs the following: PolyPhen-2: "Benign". The threonine amino acid residue is found in multiple mammalian species, which suggests that this missense change does not adversely affect protein function. In summary, the available evidence is currently insufficient to determine the role of this variant in disease. Therefore, it has been classified as a Variant of Uncertain Significance.

Women's Health and Genetics/Laboratory Corporation of America, LabCorp
Classification: Uncertain significance. Last evaluated: 2025-10-23. Review status: criteria provided, single submitter. Criteria: LabCorp Variant Classification Summary - May 2015. Collection method: clinical testing. Allele origin: germline.
Comment: Variant summary: ZNF469 c.712G>A (p.Ala238Thr) results in a non-conservative amino acid change in the encoded protein sequence. Algorithms developed to predict the effect of missense changes on protein structure and function are either unavailable or do not agree on the potential impact of this missense change. The variant was absent in 149800 control chromosomes. The available data on variant occurrences in the general population are insufficient to allow any conclusion about variant significance. To our knowledge, no occurrence of c.712G>A in individuals affected with ZNF469-related conditions and no experimental evidence demonstrating its impact on protein function have been reported. ClinVar contains an entry for this variant (Variation ID: 1433774). Based on the evidence outlined above, the variant was classified as uncertain significance.

Ambry Genetics
Classification: Uncertain significance for Cardiovascular phenotype. Last evaluated: 2025-01-08. Review status: criteria provided, single submitter. Criteria: Ambry Variant Classification Scheme 2023. Collection method: clinical testing. Allele origin: germline.